The following is an entry in ClinVar:

NM_006618.5(KDM5B):c.2885A>C (p.Gln962Pro)

Gene: KDM5B (lysine demethylase 5B; minus strand). Cytogenetic location: 1q32.1.
Variant type: single nucleotide variant.
Coding change: c.2885A>C on transcript NM_006618.5 (MANE Select); coding-DNA position 2885, A replaced by C.
Protein change: p.Gln962Pro; replaces glutamine 962 with proline.
Molecular consequence: missense variant.
Genome position (GRCh38, 1-based): chr1:202,741,427, T>G on the plus strand (A>C on the coding strand, the complement: KDM5B is on the minus strand). VCF-style: chr1-202741427-T-G. GRCh37 (hg19) VCF-style: chr1-202710555-T-G.
Other names: c.2993A>C, p.Gln998Pro (NM_001314042.2); c.2750A>C, p.Gln917Pro (NM_001347591.2); c.2870A>C, p.Gln957Pro (NM_001399817.1); short protein forms Q917P, Q957P, Q962P, Q998P.
Identifiers: ClinVar variation 2579585 (VCV002579585.1), dbSNP rs2527455576, ClinGen allele CA344264669.

ClinVar aggregate classification (germline): Uncertain significance (1 of 4 stars; one submission).

Submission:

GeneDx
Classification: Uncertain significance. Last evaluated: 2023-03-08. Review status: criteria provided, single submitter. Criteria: GeneDx Variant Classification Process June 2021. Collection method: clinical testing. Allele origin: germline. Affected: yes.
Comment: Not observed at significant frequency in large population cohorts (gnomAD); In silico analysis supports that this missense variant has a deleterious effect on protein structure/function; Has not been previously published as pathogenic or benign to our knowledge